The following is an entry in ClinVar:

ClinVar aggregate classification (germline): Uncertain significance. Review status: criteria provided, multiple submitters, no conflicts (2 of 4 stars). 2 submissions from 2 submitters: Uncertain significance (2). Last evaluated 2024-01-15.

Conditions:
Hypophosphatemic rickets, autosomal recessive, 2 (ARHR2). Identifiers: Orphanet 289176, MedGen C2750078, MONDO:0013219, OMIM 613312.
Hypophosphatemic rickets. Identifiers: MedGen C1704375, MeSH D063730, MONDO:0024300, HP:0004912.

Allele frequency attached by ClinVar (database versions not stated): gnomAD exomes 0.00001.
gnomAD v4.1: 8 of 1,613,998 alleles (0.0005%); highest among the groups gnomAD compares: South Asian, 0.0011%; no homozygotes.

Submissions (2):

MVZ Medizinische Genetik Mainz
Classification: Uncertain significance for Hypophosphatemic rickets, autosomal recessive, 2. Last evaluated: 2024-01-15. Review status: criteria provided, single submitter. Criteria: UK Practice Guidelines For Variant Classification V4 01 2020. Collection method: clinical testing. Allele origin: germline. Inheritance: Autosomal recessive inheritance. Affected: yes. Observed: 1 variant allele.
Comment: ACMG Criteria: PP3_MOD,PM2_SUP,PM3_SUP,PP4

Clinical Genomics Laboratory, Stanford Medicine
Classification: Uncertain significance for Hypophosphatemic rickets. Last evaluated: 2022-10-31. Review status: criteria provided, single submitter. Criteria: ACMG Guidelines, 2015. Collection method: clinical testing. Allele origin: germline. Observed: 1 variant allele, 1 heterozygote.

NM_006208.3(ENPP1):c.1742C>T (p.Pro581Leu)

Gene: ENPP1 (ectonucleotide pyrophosphatase/phosphodiesterase 1; plus strand). Cytogenetic location: 6q23.2.
Variant type: single nucleotide variant.
Coding change: c.1742C>T on transcript NM_006208.3 (MANE Select); coding-DNA position 1742, C replaced by T.
Protein change: p.Pro581Leu; replaces proline 581 with leucine.
Molecular consequence: missense variant.
Genome position (GRCh38, 1-based): chr6:131,877,010, C>T. VCF-style: chr6-131877010-C-T. GRCh37 (hg19) VCF-style: chr6-132198150-C-T.
Other names: short protein forms P581L.
Identifiers: ClinVar variation 3236124 (VCV003236124.2), dbSNP rs1343186878, ClinGen allele CA365651892.
Genomic context (GRCh38, chr6:131,877,010, plus strand): 5'-TTTGAAACATCTAAGTAACTCTACCATCTTGAAATTATGCAGATTTACTGAATTTGACAC[C>T]GGCTCCTAATAACGGAACTCATGGAAGTCTTAACCACCTTCTAAAGAATCCTGTTTATAC-3'
Protein context (NP_006199.2, residues 571-591): NLMCDLLNLT[Pro581Leu]APNNGTHGSL